The following is an entry in ClinVar:

NR_002717.3(ATXN8OS):n.891_908del

Genes: ATXN8OS (ATXN8 opposite strand lncRNA; plus strand), LOC109461478 (ATXN8 opposite strand (non-protein coding) repeat instability region; plus strand). Cytogenetic location: 13q21.33.
Variant type: Deletion.
Molecular consequence: non-coding transcript variant (on NR_002717.3).
Genome position: GRCh38 VCF-style: chr13-70139377-ACTACTACTGCTGCTGCTG-A. GRCh37 (hg19) VCF-style: chr13-70713509-ACTACTACTGCTGCTGCTG-A.
Identifiers: ClinVar variation 3039106 (VCV003039106.2), dbSNP rs1186729821, ClinGen allele CA610915308.

ClinVar aggregate classification (germline): Benign (0 of 4 stars; one submission).

Conditions:
ATXN8OS-related disorder. Also called: ATXN8OS-related condition.

Submission:

PreventionGenetics, part of Exact Sciences
Classification: Benign for ATXN8OS-related condition. Last evaluated: 2023-05-26. Review status: no assertion criteria provided. Collection method: clinical testing. Allele origin: germline.
Comment: This variant is classified as benign based on ACMG/AMP sequence variant interpretation guidelines (Richards et al. 2015 PMID: 25741868, with internal and published modifications).